The following is an entry in ClinVar:

ClinVar aggregate classification (germline): Uncertain significance (1 of 4 stars; one submission).

Conditions:
Early-infantile DEE. Also called: Early infantile epileptic encephalopathy; Ohtahara syndrome; Early infantile epileptic encephalopathy with suppression bursts. Identifiers: Orphanet 1934, MedGen C0393706, MONDO:0800491.

Allele frequency attached by ClinVar (database versions not stated): TOPMed below 0.00001.
gnomAD v4.1: 2 of 1,613,982 alleles (0.00012%); highest among the groups gnomAD compares: Admixed American, 0.0033%; no homozygotes.

Submission:

Labcorp Genetics (formerly Invitae), Labcorp
Classification: Uncertain significance for Early-infantile DEE. Last evaluated: 2024-07-20. Review status: criteria provided, single submitter. Criteria: Invitae Variant Classification Sherloc (09022015). Collection method: clinical testing. Allele origin: germline.
Comment: This sequence change replaces proline, which is neutral and non-polar, with serine, which is neutral and polar, at codon 851 of the HCN1 protein (p.Pro851Ser). This variant is present in population databases (no rsID available, gnomAD 0.009%). This missense change has been observed in individual(s) with clinical features of HCN1-related conditions (Invitae). ClinVar contains an entry for this variant (Variation ID: 2121150). Advanced modeling of protein sequence and biophysical properties (such as structural, functional, and spatial information, amino acid conservation, physicochemical variation, residue mobility, and thermodynamic stability) performed at Invitae indicates that this missense variant is not expected to disrupt HCN1 protein function with a negative predictive value of 95%. In summary, the available evidence is currently insufficient to determine the role of this variant in disease. Therefore, it has been classified as a Variant of Uncertain Significance.

NM_021072.4(HCN1):c.2551C>T (p.Pro851Ser)

Gene: HCN1 (hyperpolarization activated cyclic nucleotide gated potassium channel 1; minus strand). Cytogenetic location: 5p12.
Variant type: single nucleotide variant.
Coding change: c.2551C>T on transcript NM_021072.4 (MANE Select); coding-DNA position 2551, C replaced by T.
Protein change: p.Pro851Ser; replaces proline 851 with serine.
Molecular consequence: missense variant.
Genome position (GRCh38, 1-based): chr5:45,262,043, G>A on the plus strand (C>T on the coding strand, the complement: HCN1 is on the minus strand). VCF-style: chr5-45262043-G-A. GRCh37 (hg19) VCF-style: chr5-45262145-G-A.
Other names: short protein forms P851S.
Identifiers: ClinVar variation 2121150 (VCV002121150.4), dbSNP rs1194036783, ClinGen allele CA359703116.